The following is an entry in ClinVar:

NM_021008.4(DEAF1):c.1518C>T (p.Asn506=)

Gene: DEAF1 (DEAF1 transcription factor; minus strand). Cytogenetic location: 11p15.5.
Variant type: single nucleotide variant.
Coding change: c.1518C>T on transcript NM_021008.4 (MANE Select); coding-DNA position 1518, C replaced by T.
Protein change: p.Asn506=; no amino-acid change (asparagine 506 retained).
Molecular consequence: synonymous variant.
Genome position (GRCh38, 1-based): chr11:654,037, G>A on the plus strand (C>T on the coding strand, the complement: DEAF1 is on the minus strand). VCF-style: chr11-654037-G-A. GRCh37 (hg19) VCF-style: chr11-654037-G-A.
Other names: c.1293C>T, p.Asn431= (NM_001293634.2); c.792C>T, p.Asn264= (NM_001367390.1).
Identifiers: ClinVar variation 1617748 (VCV001617748.33), dbSNP rs765778708, ClinGen allele CA5786162.

ClinVar aggregate classification (germline): Likely benign. Review status: criteria provided, multiple submitters, no conflicts (2 of 4 stars). 3 submissions from 3 submitters: Likely benign (3). Last evaluated 2025-04-07.

Allele frequency attached by ClinVar (database versions not stated): gnomAD exomes 0.00003 and 0.00005; ExAC 0.00005; gnomAD 0.00005; TOPMed 0.00009.
gnomAD v4.1: 57 of 1,613,510 alleles (0.0035%); highest among the groups gnomAD compares: East Asian, 0.06%; 1 homozygote.

Submissions (3):

Labcorp Genetics (formerly Invitae), Labcorp
Classification: Likely benign. Last evaluated: 2025-04-07. Review status: criteria provided, single submitter. Criteria: Invitae Variant Classification Sherloc (09022015). Collection method: clinical testing. Allele origin: germline.

ARUP Laboratories, Molecular Genetics and Genomics, ARUP Laboratories
Classification: Likely benign. Last evaluated: 2025-03-31. Review status: criteria provided, single submitter. Criteria: ARUP Molecular Germline Variant Investigation Process 2024. Collection method: clinical testing. Allele origin: germline.

CeGaT Center for Human Genetics Tuebingen
Classification: Likely benign. Last evaluated: 2023-01-01. Review status: criteria provided, single submitter. Criteria: CeGaT Center For Human Genetics Tuebingen Variant Classification Criteria Version 2. Collection method: clinical testing. Allele origin: germline. Affected: yes. Observed: 1 variant allele.
Comment: DEAF1: BP4, BP7